The following is an entry in ClinVar:

NM_006910.5(RBBP6):c.4490G>A (p.Arg1497Gln)

Gene: RBBP6 (RB binding protein 6, ubiquitin ligase; plus strand). Cytogenetic location: 16p12.1.
Variant type: single nucleotide variant.
Coding change: c.4490G>A on transcript NM_006910.5 (MANE Select); coding-DNA position 4490, G replaced by A.
Protein change: p.Arg1497Gln; replaces arginine 1497 with glutamine.
Molecular consequence: missense variant.
Genome position (GRCh38, 1-based): chr16:24,571,556, G>A. VCF-style: chr16-24571556-G-A. GRCh37 (hg19) VCF-style: chr16-24582877-G-A.
Other names: c.4388G>A, p.Arg1463Gln (NM_018703.4); short protein forms R1463Q, R1497Q.
Identifiers: ClinVar variation 3042574 (VCV003042574.2), dbSNP rs201835041, ClinGen allele CA7967963.

ClinVar aggregate classification (germline): Likely benign (0 of 4 stars; one submission).

Conditions:
RBBP6-related disorder. Also called: RBBP6-related condition.

Allele frequency attached by ClinVar (database versions not stated): ESP Exome Variant Server 0.00008; 1000 Genomes Project 30x 0.00016; TOPMed 0.00016; gnomAD 0.00019; 1000 Genomes Project 0.00020; ExAC 0.00034.
gnomAD v4.1: 288 of 1,613,272 alleles (0.018%); highest among the groups gnomAD compares: East Asian, 0.37%; 1 homozygote.

Submission:

PreventionGenetics, part of Exact Sciences
Classification: Likely benign for RBBP6-related condition. Last evaluated: 2023-07-09. Review status: no assertion criteria provided. Collection method: clinical testing. Allele origin: germline.
Comment: This variant is classified as likely benign based on ACMG/AMP sequence variant interpretation guidelines (Richards et al. 2015 PMID: 25741868, with internal and published modifications).